The following is an entry in ClinVar:

ClinVar aggregate classification (germline): Uncertain significance. Review status: criteria provided, multiple submitters, no conflicts (2 of 4 stars). 3 submissions from 3 submitters: Uncertain significance (3). Last evaluated 2022-09-30.

Conditions:
Ellis-van Creveld syndrome (EVC). Also called: EVC2-Related Ellis-van Creveld Syndrome; EVC-Related Ellis-van Creveld Syndrome; Chondroectodermal dysplasia; MESOECTODERMAL DYSPLASIA. Identifiers: Orphanet 289, MedGen C0013903, MONDO:0009162, OMIM 225500.
Curry-Hall syndrome (WAD). Also called: WEYERS ACRODENTAL DYSOSTOSIS. Identifiers: Orphanet 952, MedGen C0457013, MONDO:0008673, OMIM 193530.

Allele frequency attached by ClinVar (database versions not stated): ExAC 0.00003; gnomAD exomes 0.00003; gnomAD 0.00005; TOPMed 0.00006; ESP Exome Variant Server 0.00008.
gnomAD v4.1: 46 of 1,613,936 alleles (0.0029%); highest among the groups gnomAD compares: Middle Eastern, 0.033%; no homozygotes.

Submissions (3):

GeneDx
Classification: Uncertain significance. Last evaluated: 2022-09-30. Review status: criteria provided, single submitter. Criteria: GeneDx Variant Classification Process June 2021. Collection method: clinical testing. Allele origin: germline. Affected: yes.
Comment: Not observed at a significant frequency in large population cohorts (gnomAD); In silico analysis supports that this missense variant does not alter protein structure/function; Has not been previously published as pathogenic or benign to our knowledge

Labcorp Genetics (formerly Invitae), Labcorp
Classification: Uncertain significance for Curry-Hall syndrome; Ellis-van Creveld syndrome. Last evaluated: 2021-12-03. Review status: criteria provided, single submitter. Criteria: Invitae Variant Classification Sherloc (09022015). Collection method: clinical testing. Allele origin: germline.
Comment: This sequence change replaces arginine, which is basic and polar, with histidine, which is basic and polar, at codon 753 of the EVC2 protein (p.Arg753His). This variant is present in population databases (rs370964676, gnomAD 0.004%). This variant has not been reported in the literature in individuals affected with EVC2-related conditions. Algorithms developed to predict the effect of missense changes on protein structure and function are either unavailable or do not agree on the potential impact of this missense change (SIFT: "Tolerated"; PolyPhen-2: "Probably Damaging"; Align-GVGD: "Class C0"). In summary, the available evidence is currently insufficient to determine the role of this variant in disease. Therefore, it has been classified as a Variant of Uncertain Significance.

Breakthrough Genomics
Classification: Uncertain significance. Review status: criteria provided, single submitter. Criteria: ACMG Guidelines, 2015. Collection method: not provided. Allele origin: germline. Inheritance: Autosomal recessive inheritance. Affected: yes.

NM_147127.5(EVC2):c.2258G>A (p.Arg753His)

Gene: EVC2 (EvC ciliary complex subunit 2; minus strand). Cytogenetic location: 4p16.2.
Variant type: single nucleotide variant.
Coding change: c.2258G>A on transcript NM_147127.5 (MANE Select); coding-DNA position 2258, G replaced by A.
Protein change: p.Arg753His; replaces arginine 753 with histidine.
Molecular consequence: missense variant.
Genome position (GRCh38, 1-based): chr4:5,622,780, C>T on the plus strand (G>A on the coding strand, the complement: EVC2 is on the minus strand). VCF-style: chr4-5622780-C-T. GRCh37 (hg19) VCF-style: chr4-5624507-C-T.
Other names: c.2018G>A, p.Arg673His (NM_001166136.2); short protein forms R673H, R753H.
Identifiers: ClinVar variation 1708901 (VCV001708901.5), dbSNP rs370964676, ClinGen allele CA2834763.